The following is an entry in ClinVar:

ClinVar aggregate classification (germline): Uncertain significance. Review status: criteria provided, multiple submitters, no conflicts (2 of 4 stars). 5 submissions from 5 submitters: Uncertain significance (4). 1 of the submissions does not count toward it. Last evaluated 2025-02-19.

Conditions:
Inborn genetic diseases. Identifiers: MedGen C0950123, MeSH D030342.
Usher syndrome type 1 (USH1). Also called: RETINITIS PIGMENTOSA AND CONGENITAL DEAFNESS. Identifiers: Orphanet 231169, Orphanet 886, MedGen C1568247, MONDO:0010168, OMIM 276900.

Allele frequency attached by ClinVar (database versions not stated): ExAC 0.00002; gnomAD exomes 0.00002 and 0.00003; gnomAD 0.00004; TOPMed 0.00008.
gnomAD v4.1: 45 of 1,613,746 alleles (0.0028%); highest among the groups gnomAD compares: African/African-American, 0.013%; no homozygotes.

Submissions (5):

Ambry Genetics
Classification: Uncertain significance for Inborn genetic diseases. Last evaluated: 2025-02-19. Review status: criteria provided, single submitter. Criteria: Ambry Variant Classification Scheme 2023. Collection method: clinical testing. Allele origin: germline.

Labcorp Genetics (formerly Invitae), Labcorp
Classification: Uncertain significance. Last evaluated: 2025-01-13. Review status: criteria provided, single submitter. Criteria: Invitae Variant Classification Sherloc (09022015). Collection method: clinical testing. Allele origin: germline.
Comment: This sequence change replaces valine, which is neutral and non-polar, with isoleucine, which is neutral and non-polar, at codon 167 of the CDH23 protein (p.Val167Ile). This variant is present in population databases (rs772995621, gnomAD 0.006%). This variant has not been reported in the literature in individuals affected with CDH23-related conditions. ClinVar contains an entry for this variant (Variation ID: 517628). Invitae Evidence Modeling of protein sequence and biophysical properties (such as structural, functional, and spatial information, amino acid conservation, physicochemical variation, residue mobility, and thermodynamic stability) has been performed for this missense variant. However, the output from this modeling did not meet the statistical confidence thresholds required to predict the impact of this variant on CDH23 protein function. In summary, the available evidence is currently insufficient to determine the role of this variant in disease. Therefore, it has been classified as a Variant of Uncertain Significance.

Blueprint Genetics
Classification: Uncertain significance. Last evaluated: 2022-07-12. Review status: criteria provided, single submitter. Criteria: ACMG Guidelines, 2015. Collection method: clinical testing. Allele origin: germline.

Laboratory for Molecular Medicine, Mass General Brigham Personalized Medicine
Classification: Uncertain significance. Last evaluated: 2017-11-15. Review status: criteria provided, single submitter. Criteria: LMM Criteria. Collection method: clinical testing. Allele origin: germline. Observed: 1 variant allele.
Comment: The p.Val167Ile variant in CDH23 has not been previously reported in individuals with hearing loss or Usher syndrome, but has been identified in 4/126512 Europe an chromosomes by the Genome Aggregation Database (gnomAD; dbSNP rs772995621). Although this variant has been seen in the gene ral population, its frequency is not high enough to rule out a pathogenic role. Computational prediction tools and conservation analyses do not provide strong s upport for or against an impact to the protein. In summary, the clinical signifi cance of the p.Val167Ile variant is uncertain. ACMG/AMP Criteria applied: PM2.

Natera, Inc.
Classification: Uncertain significance for Usher syndrome type 1. Last evaluated: 2020-04-11. Review status: no assertion criteria provided. Collection method: clinical testing. Allele origin: germline. Not counted in ClinVar's aggregate classification.

NM_022124.6(CDH23):c.499G>A (p.Val167Ile)

Gene: CDH23 (cadherin related 23; plus strand). Cytogenetic location: 10q22.1.
Variant type: single nucleotide variant.
Coding change: c.499G>A on transcript NM_022124.6 (MANE Select); coding-DNA position 499, G replaced by A.
Protein change: p.Val167Ile; replaces valine 167 with isoleucine.
Molecular consequence: missense variant.
Genome position (GRCh38, 1-based): chr10:71,566,811, G>A. VCF-style: chr10-71566811-G-A. GRCh37 (hg19) VCF-style: chr10-73326568-G-A.
Other names: c.499G>A, p.Val167Ile (NM_001171930.2, NM_001171931.2, NM_001171932.2 and 1 more transcripts); short protein forms V167I.
Identifiers: ClinVar variation 517628 (VCV000517628.12), dbSNP rs772995621, ClinGen allele CA5543459.